The following is an entry in ClinVar:

NM_005660.3(SLC35A2):c.775G>A (p.Ala259Thr)

Gene: SLC35A2 (solute carrier family 35 member A2; minus strand). Cytogenetic location: Xp11.23.
Variant type: single nucleotide variant.
Coding change: c.775G>A on transcript NM_005660.3 (MANE Select); coding-DNA position 775, G replaced by A.
Protein change: p.Ala259Thr; replaces alanine 259 with threonine.
Molecular consequence: missense variant. On other transcripts: intron variant (3).
Genome position (GRCh38, 1-based): chrX:48,905,134, C>T on the plus strand (G>A on the coding strand, the complement: SLC35A2 is on the minus strand). VCF-style: chrX-48905134-C-T. GRCh37 (hg19) VCF-style: chrX-48762411-C-T.
Other names: c.775G>A, p.Ala259Thr (NM_001042498.3); c.592G>A, p.Ala198Thr (NM_001282649.2); c.814G>A, p.Ala272Thr (NM_001282650.2); c.859G>A, p.Ala287Thr (NM_001282651.2); c.427-242G>A (NM_001282647.2, NM_001032289.3); c.355-242G>A (NM_001282648.2); short protein forms A198T, A259T, A287T, A272T.
Identifiers: ClinVar variation 2140655 (VCV002140655.4), dbSNP rs782542793, ClinGen allele CA10406097.

ClinVar aggregate classification (germline): Uncertain significance (1 of 4 stars; one submission).

Conditions:
SLC35A2-congenital disorder of glycosylation. Also called: SLC35A2-CDG; CONGENITAL DISORDER OF GLYCOSYLATION, TYPE IIm; CDG IIm; CONGENITAL DISORDER OF GLYCOSYLATION, TYPE IIm, SOMATIC MOSAIC; EPILEPTIC ENCEPHALOPATHY, EARLY INFANTILE, 22; DEVELOPMENTAL AND EPILEPTIC ENCEPHALOPATHY 22. Identifiers: Orphanet 356961, MedGen C3806688, MONDO:0010478, OMIM 300896.

Allele frequency attached by ClinVar (database versions not stated): gnomAD exomes 0.00002.

Submission:

Labcorp Genetics (formerly Invitae), Labcorp
Classification: Uncertain significance for SLC35A2-congenital disorder of glycosylation. Last evaluated: 2022-08-23. Review status: criteria provided, single submitter. Criteria: Invitae Variant Classification Sherloc (09022015). Collection method: clinical testing. Allele origin: germline.
Comment: In summary, the available evidence is currently insufficient to determine the role of this variant in disease. Therefore, it has been classified as a Variant of Uncertain Significance. Algorithms developed to predict the effect of missense changes on protein structure and function (SIFT, PolyPhen-2, Align-GVGD) all suggest that this variant is likely to be tolerated. This variant has not been reported in the literature in individuals affected with SLC35A2-related conditions. The frequency data for this variant in the population databases is considered unreliable, as metrics indicate poor data quality at this position in the gnomAD database. This sequence change replaces alanine, which is neutral and non-polar, with threonine, which is neutral and polar, at codon 259 of the SLC35A2 protein (p.Ala259Thr).